The following is an entry in ClinVar:

ClinVar aggregate classification (germline): Benign/Likely benign. Review status: criteria provided, multiple submitters, no conflicts (2 of 4 stars). 4 submissions from 4 submitters: Benign (2); Likely benign (2). Last evaluated 2026-02-03.

Conditions:
Epidermodysplasia verruciformis. Identifiers: Orphanet 302, MedGen C0014522, MONDO:0009176.

Allele frequency attached by ClinVar (database versions not stated): 1000 Genomes Project 0.01498; 1000 Genomes Project 30x 0.01515; gnomAD exomes 0.02275 and 0.02847; gnomAD 0.02462 and 0.02510; TOPMed 0.02490; ESP Exome Variant Server 0.02550; ExAC 0.03150.

Submissions 1 to 32 of 50:

Labcorp Genetics (formerly Invitae), Labcorp
Classification: Benign for Epidermodysplasia verruciformis. Last evaluated: 2026-02-03. Review status: criteria provided, single submitter. Criteria: Invitae Variant Classification Sherloc (09022015). Collection method: clinical testing. Allele origin: germline.

GeneDx
Classification: Likely benign. Last evaluated: 2018-07-10. Review status: criteria provided, single submitter. Criteria: GeneDx Variant Classification Process June 2021. Collection method: clinical testing. Allele origin: germline. Affected: yes.

Laboratory for Molecular Medicine, Mass General Brigham Personalized Medicine
Classification: Benign. Last evaluated: 2016-03-29. Review status: criteria provided, single submitter. Criteria: LMM Criteria. Collection method: clinical testing. Allele origin: germline.
Comment: Variant identified in a genome or exome case(s) and assessed due to predicted null impact of the variant or pathogenic assertions in the literature or databases. Disclaimer: This variant has not undergone full assessment. The following are preliminary notes: Frequency

Breakthrough Genomics
Classification: Likely benign. Review status: criteria provided, single submitter. Criteria: ACMG Guidelines, 2015. Collection method: not provided. Allele origin: germline. Inheritance: Autosomal recessive inheritance. Affected: yes.

Dr. Peter K. Rogan Lab, Western University
No classification provided (evidence only). Condition: Familial cancer of breast. Review status: no classification provided. Collection method: in vitro. Allele origin: not applicable. Functional consequence: retained intron. Not counted in ClinVar's aggregate classification.

Dr. Peter K. Rogan Lab, Western University
No classification provided (evidence only). Condition: Familial cancer of breast. Review status: no classification provided. Collection method: in vitro. Allele origin: not applicable. Functional consequence: retained intron. Not counted in ClinVar's aggregate classification.

Dr. Peter K. Rogan Lab, Western University
No classification provided (evidence only). Condition: Familial cancer of breast. Review status: no classification provided. Collection method: in vitro. Allele origin: not applicable. Functional consequence: retained intron. Not counted in ClinVar's aggregate classification.

Dr. Peter K. Rogan Lab, Western University
No classification provided (evidence only). Condition: Acute myeloid leukemia. Review status: no classification provided. Collection method: in vitro. Allele origin: not applicable. Functional consequence: retained intron. Not counted in ClinVar's aggregate classification.

Dr. Peter K. Rogan Lab, Western University
No classification provided (evidence only). Condition: Acute myeloid leukemia. Review status: no classification provided. Collection method: in vitro. Allele origin: not applicable. Functional consequence: retained intron. Not counted in ClinVar's aggregate classification.

Dr. Peter K. Rogan Lab, Western University
No classification provided (evidence only). Condition: Acute myeloid leukemia. Review status: no classification provided. Collection method: in vitro. Allele origin: not applicable. Functional consequence: retained intron. Not counted in ClinVar's aggregate classification.

Dr. Peter K. Rogan Lab, Western University
No classification provided (evidence only). Condition: Acute myeloid leukemia. Review status: no classification provided. Collection method: in vitro. Allele origin: not applicable. Functional consequence: retained intron. Not counted in ClinVar's aggregate classification.

Dr. Peter K. Rogan Lab, Western University
No classification provided (evidence only). Condition: Acute myeloid leukemia. Review status: no classification provided. Collection method: in vitro. Allele origin: not applicable. Functional consequence: retained intron. Not counted in ClinVar's aggregate classification.

Dr. Peter K. Rogan Lab, Western University
No classification provided (evidence only). Condition: Acute myeloid leukemia. Review status: no classification provided. Collection method: in vitro. Allele origin: not applicable. Functional consequence: retained intron. Not counted in ClinVar's aggregate classification.

Dr. Peter K. Rogan Lab, Western University
No classification provided (evidence only). Condition: Acute myeloid leukemia. Review status: no classification provided. Collection method: in vitro. Allele origin: not applicable. Functional consequence: retained intron. Not counted in ClinVar's aggregate classification.

Dr. Peter K. Rogan Lab, Western University
No classification provided (evidence only). Condition: Acute myeloid leukemia. Review status: no classification provided. Collection method: in vitro. Allele origin: not applicable. Functional consequence: retained intron. Not counted in ClinVar's aggregate classification.

Dr. Peter K. Rogan Lab, Western University
No classification provided (evidence only). Condition: Acute myeloid leukemia. Review status: no classification provided. Collection method: in vitro. Allele origin: not applicable. Functional consequence: retained intron. Not counted in ClinVar's aggregate classification.

Dr. Peter K. Rogan Lab, Western University
No classification provided (evidence only). Condition: Acute myeloid leukemia. Review status: no classification provided. Collection method: in vitro. Allele origin: not applicable. Functional consequence: retained intron. Not counted in ClinVar's aggregate classification.

Dr. Peter K. Rogan Lab, Western University
No classification provided (evidence only). Condition: Uterine corpus endometrial carcinoma. Review status: no classification provided. Collection method: in vitro. Allele origin: not applicable. Functional consequence: retained intron. Not counted in ClinVar's aggregate classification.

Dr. Peter K. Rogan Lab, Western University
No classification provided (evidence only). Condition: Uterine corpus endometrial carcinoma. Review status: no classification provided. Collection method: in vitro. Allele origin: not applicable. Functional consequence: retained intron. Not counted in ClinVar's aggregate classification.

Dr. Peter K. Rogan Lab, Western University
No classification provided (evidence only). Condition: Uterine corpus endometrial carcinoma. Review status: no classification provided. Collection method: in vitro. Allele origin: not applicable. Functional consequence: retained intron. Not counted in ClinVar's aggregate classification.

Dr. Peter K. Rogan Lab, Western University
No classification provided (evidence only). Condition: Cervical cancer. Review status: no classification provided. Collection method: in vitro. Allele origin: not applicable. Functional consequence: retained intron. Not counted in ClinVar's aggregate classification.

Dr. Peter K. Rogan Lab, Western University
No classification provided (evidence only). Condition: Cervical cancer. Review status: no classification provided. Collection method: in vitro. Allele origin: not applicable. Functional consequence: retained intron. Not counted in ClinVar's aggregate classification.

Dr. Peter K. Rogan Lab, Western University
No classification provided (evidence only). Condition: Cervical cancer. Review status: no classification provided. Collection method: in vitro. Allele origin: not applicable. Functional consequence: retained intron. Not counted in ClinVar's aggregate classification.

Dr. Peter K. Rogan Lab, Western University
No classification provided (evidence only). Condition: Cervical cancer. Review status: no classification provided. Collection method: in vitro. Allele origin: not applicable. Functional consequence: retained intron. Not counted in ClinVar's aggregate classification.

Dr. Peter K. Rogan Lab, Western University
No classification provided (evidence only). Condition: Cervical cancer. Review status: no classification provided. Collection method: in vitro. Allele origin: not applicable. Functional consequence: retained intron. Not counted in ClinVar's aggregate classification.

Dr. Peter K. Rogan Lab, Western University
No classification provided (evidence only). Condition: Malignant lymphoma, large B-cell, diffuse. Review status: no classification provided. Collection method: in vitro. Allele origin: not applicable. Functional consequence: skipped exon, retained intron. Not counted in ClinVar's aggregate classification.

Dr. Peter K. Rogan Lab, Western University
No classification provided (evidence only). Condition: Thymoma. Review status: no classification provided. Collection method: in vitro. Allele origin: not applicable. Functional consequence: retained intron. Not counted in ClinVar's aggregate classification.

Dr. Peter K. Rogan Lab, Western University
No classification provided (evidence only). Condition: Thymoma. Review status: no classification provided. Collection method: in vitro. Allele origin: not applicable. Functional consequence: retained intron. Not counted in ClinVar's aggregate classification.

Dr. Peter K. Rogan Lab, Western University
No classification provided (evidence only). Condition: Thymoma. Review status: no classification provided. Collection method: in vitro. Allele origin: not applicable. Functional consequence: retained intron. Not counted in ClinVar's aggregate classification.

Dr. Peter K. Rogan Lab, Western University
No classification provided (evidence only). Condition: Ovarian serous cystadenocarcinoma. Review status: no classification provided. Collection method: in vitro. Allele origin: not applicable. Functional consequence: retained intron. Not counted in ClinVar's aggregate classification.

Dr. Peter K. Rogan Lab, Western University
No classification provided (evidence only). Condition: Ovarian serous cystadenocarcinoma. Review status: no classification provided. Collection method: in vitro. Allele origin: not applicable. Functional consequence: retained intron. Not counted in ClinVar's aggregate classification.

Dr. Peter K. Rogan Lab, Western University
No classification provided (evidence only). Condition: Ovarian serous cystadenocarcinoma. Review status: no classification provided. Collection method: in vitro. Allele origin: not applicable. Functional consequence: retained intron. Not counted in ClinVar's aggregate classification.

NM_001127198.5(TMC6):c.2021+11C>T

Gene: TMC6 (transmembrane channel like 6; minus strand). Cytogenetic location: 17q25.3.
Variant type: single nucleotide variant.
Coding change: c.2021+11C>T on transcript NM_001127198.5 (MANE Select); 11 bases into the intron after coding-DNA position 2021, C replaced by T.
Molecular consequence: intron variant.
Genome position (GRCh38, 1-based): chr17:78,117,791, G>A on the plus strand (C>T on the coding strand, the complement: TMC6 is on the minus strand). VCF-style: chr17-78117791-G-A. GRCh37 (hg19) VCF-style: chr17-76113872-G-A.
Other names: c.1841+11C>T (NM_001374594.1, NM_001374593.1); c.2021+11C>T (NM_001374596.1, NM_007267.7, NM_001321185.1 and 2 more transcripts).
Identifiers: ClinVar variation 403544 (VCV000403544.17), dbSNP rs143140501, ClinGen allele CA8795469.